The following is an entry in ClinVar:

ClinVar aggregate classification (germline): Uncertain significance (1 of 4 stars; one submission).

Conditions:
Epidermolysis bullosa simplex 5C, with pyloric atresia (EBS5C). Also called: PLEC-Related Epidermolysis Bullosa with Pyloric Atresia; Epidermolysis bullosa simplex with pyloric atresia; PLEC1-Related Epidermolysis Bullosa with Pyloric Atresia. Identifiers: Orphanet 158684, MedGen C2677349, MONDO:0012807, OMIM 612138.
Epidermolysis bullosa simplex with nail dystrophy (EBS5D). Identifiers: MedGen C4225309, MONDO:0014661, OMIM 616487.
Epidermolysis bullosa simplex 5B, with muscular dystrophy (EBS5B). Also called: Epidermolysis bullosa simplex with muscular dystrophy; EPIDERMOLYSIS BULLOSA SIMPLEX AND LIMB-GIRDLE MUSCULAR DYSTROPHY. Identifiers: Orphanet 257, MedGen C2931072, MONDO:0009181, OMIM 226670.
Autosomal recessive limb-girdle muscular dystrophy type 2Q (LGMDR17). Also called: MUSCULAR DYSTROPHY, LIMB-GIRDLE, AUTOSOMAL RECESSIVE 17. Identifiers: Orphanet 254361, MedGen C3150989, MONDO:0013390, OMIM 613723.
Epidermolysis bullosa simplex, Ogna type (EBS5A). Also called: Pidermolysis bullosa simplex 5A, Ogna type; EPIDERMOLYSIS BULLOSA SIMPLEX 5A, OGNA TYPE. Identifiers: Orphanet 79401, MedGen C0432317, MONDO:0007555, OMIM 131950.

Allele frequency attached by ClinVar (database versions not stated): TOPMed below 0.00001.

Submission:

Labcorp Genetics (formerly Invitae), Labcorp
Classification: Uncertain significance for Autosomal recessive limb-girdle muscular dystrophy type 2Q; Epidermolysis bullosa simplex, Ogna type; Epidermolysis bullosa simplex with nail dystrophy; Epidermolysis bullosa simplex 5C, with pyloric atresia; Epidermolysis bullosa simplex 5B, with muscular dystrophy. Last evaluated: 2025-08-13. Review status: criteria provided, single submitter. Criteria: Invitae Variant Classification Sherloc (09022015). Collection method: clinical testing. Allele origin: germline.
Comment: This sequence change replaces tyrosine, which is neutral and polar, with phenylalanine, which is neutral and non-polar, at codon 4554 of the PLEC protein (p.Tyr4554Phe). This variant is not present in population databases (gnomAD no frequency). This variant has not been reported in the literature in individuals affected with PLEC-related conditions. ClinVar contains an entry for this variant (Variation ID: 574348). Experimental studies and prediction algorithms are not available or were not evaluated, and the functional significance of this variant is currently unknown. In summary, the available evidence is currently insufficient to determine the role of this variant in disease. Therefore, it has been classified as a Variant of Uncertain Significance.

NM_201384.3(PLEC):c.13580A>T (p.Tyr4527Phe)

Gene: PLEC (plectin; minus strand). Cytogenetic location: 8q24.3.
Variant type: single nucleotide variant.
Coding change: c.13580A>T on transcript NM_201384.3 (MANE Select); coding-DNA position 13580, A replaced by T.
Protein change: p.Tyr4527Phe; replaces tyrosine 4527 with phenylalanine.
Molecular consequence: missense variant.
Genome position (GRCh38, 1-based): chr8:143,916,241, T>A on the plus strand (A>T on the coding strand, the complement: PLEC is on the minus strand). VCF-style: chr8-143916241-T-A. GRCh37 (hg19) VCF-style: chr8-144990409-T-A.
Other names: c.13661A>T, p.Tyr4554Phe (NM_000445.5); c.13538A>T, p.Tyr4513Phe (NM_201378.4); c.13514A>T, p.Tyr4505Phe (NM_201379.3); c.13991A>T, p.Tyr4664Phe (NM_201380.4); c.13484A>T, p.Tyr4495Phe (NM_201381.3); c.13580A>T, p.Tyr4527Phe (NM_201382.4); c.13592A>T, p.Tyr4531Phe (NM_201383.3); short protein forms Y4531F, Y4554F, Y4505F, Y4495F, Y4513F, Y4527F, Y4664F.
Identifiers: ClinVar variation 574348 (VCV000574348.9), dbSNP rs1563915780, ClinGen allele CA372473596.